The following is an entry in ClinVar:

NM_181523.3(PIK3R1):c.1377A>C (p.Lys459Asn)

Gene: PIK3R1 (phosphoinositide-3-kinase regulatory subunit 1; plus strand). Cytogenetic location: 5q13.1.
Variant type: single nucleotide variant.
Coding change: c.1377A>C on transcript NM_181523.3 (MANE Select); coding-DNA position 1377, A replaced by C.
Protein change: p.Lys459Asn; replaces lysine 459 with asparagine.
Molecular consequence: missense variant.
Genome position (GRCh38, 1-based): chr5:68,293,786, A>C. VCF-style: chr5-68293786-A-C. GRCh37 (hg19) VCF-style: chr5-67589614-A-C.
Other names: c.288A>C, p.Lys96Asn (NM_001242466.2); c.567A>C, p.Lys189Asn (NM_181504.4); c.477A>C, p.Lys159Asn (NM_181524.2); short protein forms K96N, K459N, K159N, K189N.
Identifiers: ClinVar variation 4783501 (VCV004783501.1).
Genomic context (GRCh38, chr5:68,293,786, plus strand): 5'-AGATAATATTGAAGCTGTAGGGAAAAAATTACATGAATATAACACTCAGTTTCAAGAAAA[A>C]AGTCGAGAATATGATAGATTATATGAAGAATATACCCGCACATCCCAGGTGAGTTTTCTA-3'
Protein context (NP_852664.1, residues 449-469): LHEYNTQFQE[Lys459Asn]SREYDRLYEE

ClinVar aggregate classification (germline): Uncertain significance (1 of 4 stars; one submission).

Conditions:
Agammaglobulinemia 7, autosomal recessive (AGM7). Also called: AGAMMAGLOBULINEMIA, AUTOSOMAL RECESSIVE, DUE TO PIK3R1 DEFECT. Identifiers: MedGen C3554689, MONDO:0014083, OMIM 615214.
SHORT syndrome. Also called: SHORT STATURE, HYPEREXTENSIBILITY, HERNIA, OCULAR DEPRESSION, RIEGER ANOMALY, AND TEETHING DELAY; LIPODYSTROPHY, PARTIAL, WITH RIEGER ANOMALY AND SHORT STATURE; PIK3R1-Related SHORT Syndrome. Identifiers: Orphanet 3163, MedGen C0878684, MONDO:0010026, OMIM 269880.
Immunodeficiency 36 with lymphoproliferation. Also called: Immunodeficiency 36; Activated PI3K Delta Syndrome Type 2 (APDS2); ACTIVATED PI3K-DELTA SYNDROME 2. Identifiers: Orphanet 397596, Orphanet 693681, MedGen C4014934, MONDO:0014453, OMIM 616005.

gnomAD v4.1: 2 of 1,581,400 alleles (0.00013%); highest among the groups gnomAD compares: Non-Finnish European, 0.00017%; no homozygotes.

Submission:

Labcorp Genetics (formerly Invitae), Labcorp
Classification: Uncertain significance for SHORT syndrome; Immunodeficiency 36 with lymphoproliferation; Agammaglobulinemia 7, autosomal recessive. Last evaluated: 2025-03-06. Review status: criteria provided, single submitter. Criteria: Invitae Variant Classification Sherloc (09022015). Collection method: clinical testing. Allele origin: germline.
Comment: This sequence change replaces lysine, which is basic and polar, with asparagine, which is neutral and polar, at codon 459 of the PIK3R1 protein (p.Lys459Asn). This variant is not present in population databases (gnomAD no frequency). This variant has not been reported in the literature in individuals affected with PIK3R1-related conditions. Invitae Evidence Modeling of protein sequence and biophysical properties (such as structural, functional, and spatial information, amino acid conservation, physicochemical variation, residue mobility, and thermodynamic stability) indicates that this missense variant is expected to disrupt PIK3R1 protein function with a positive predictive value of 80%. In summary, the available evidence is currently insufficient to determine the role of this variant in disease. Therefore, it has been classified as a Variant of Uncertain Significance.